The following is an entry in ClinVar:

NM_006267.5(RANBP2):c.1948G>T (p.Ala650Ser)

Gene: RANBP2 (RAN binding protein 2; plus strand). Cytogenetic location: 2q13.
Variant type: single nucleotide variant.
Coding change: c.1948G>T on transcript NM_006267.5 (MANE Select); coding-DNA position 1948, G replaced by T.
Protein change: p.Ala650Ser; replaces alanine 650 with serine.
Molecular consequence: missense variant.
Genome position (GRCh38, 1-based): chr2:108,753,456, G>T. VCF-style: chr2-108753456-G-T. GRCh37 (hg19) VCF-style: chr2-109369912-G-T.
Other names: c.1948G>T, p.Ala650Ser (NM_001415871.1, NM_001415873.1); c.1945G>T, p.Ala649Ser (NM_001415872.1); short protein forms A650S, A649S.
Identifiers: ClinVar variation 4701763 (VCV004701763.1).
Genomic context (GRCh38, chr2:108,753,456, plus strand): 5'-ATTTGACTAAAAACTATTCTGTGTGTTTAGGCATCAGAAATTGTTGAATATGAAGAAGAC[G>T]CACACATAACTTTTGCTATATTGGATGCAGTAAATGGAAATATAGAAGATGCTGTGACTG-3'
Protein context (NP_006258.3, residues 640-660): ASEIVEYEED[Ala650Ser]HITFAILDAV

ClinVar aggregate classification (germline): Uncertain significance (1 of 4 stars; one submission).

Conditions:
Familial acute necrotizing encephalopathy (IIAE3). Also called: ENCEPHALOPATHY, ACUTE, INFECTION-INDUCED, SUSCEPTIBILITY TO, 3; Susceptibility to Acute Necrotizing Encephalopathy 1. Identifiers: Orphanet 88619, MedGen C2675556, MONDO:0011953, OMIM 608033.

gnomAD v4.1: 5 of 1,611,800 alleles (0.00031%); highest among the groups gnomAD compares: African/African-American, 0.0013%; no homozygotes.

Submission:

Labcorp Genetics (formerly Invitae), Labcorp
Classification: Uncertain significance for Familial acute necrotizing encephalopathy. Last evaluated: 2025-07-23. Review status: criteria provided, single submitter. Criteria: Invitae Variant Classification Sherloc (09022015). Collection method: clinical testing. Allele origin: germline.
Comment: This sequence change replaces alanine, which is neutral and non-polar, with serine, which is neutral and polar, at codon 650 of the RANBP2 protein (p.Ala650Ser). This variant is not present in population databases (gnomAD no frequency). This variant has not been reported in the literature in individuals affected with RANBP2-related conditions. An algorithm developed to predict the effect of missense changes on protein structure and function (PolyPhen-2) suggests that this variant is likely to be tolerated. In summary, the available evidence is currently insufficient to determine the role of this variant in disease. Therefore, it has been classified as a Variant of Uncertain Significance.